The following is an entry in ClinVar:

NM_004336.5(BUB1):c.2909G>C (p.Gly970Ala)

Gene: BUB1 (BUB1 mitotic checkpoint serine/threonine kinase; minus strand). Cytogenetic location: 2q13.
Variant type: single nucleotide variant.
Coding change: c.2909G>C on transcript NM_004336.5 (MANE Select); coding-DNA position 2909, G replaced by C.
Protein change: p.Gly970Ala; replaces glycine 970 with alanine.
Molecular consequence: missense variant.
Genome position (GRCh38, 1-based): chr2:110,641,080, C>G on the plus strand (G>C on the coding strand, the complement: BUB1 is on the minus strand). VCF-style: chr2-110641080-C-G. GRCh37 (hg19) VCF-style: chr2-111398657-C-G.
Other names: c.2849G>C, p.Gly950Ala (NM_001278616.2); c.2738G>C, p.Gly913Ala (NM_001278617.2); short protein forms G950A, G970A, G913A.
Identifiers: ClinVar variation 1797545 (VCV001797545.3), dbSNP rs778192976, ClinGen allele CA53522011.

ClinVar aggregate classification (germline): Uncertain significance (1 of 4 stars; one submission).

gnomAD v4.1: 2 of 1,610,172 alleles (0.00012%); highest among the groups gnomAD compares: Admixed American, 0.0034%; no homozygotes.

Submission:

Ambry Genetics
Classification: Uncertain significance. Last evaluated: 2024-10-12. Review status: criteria provided, single submitter. Criteria: Ambry Variant Classification Scheme 2023. Collection method: clinical testing. Allele origin: germline.
Comment: The p.G970A variant (also known as c.2909G>C), located in coding exon 23 of the BUB1 gene, results from a G to C substitution at nucleotide position 2909. The glycine at codon 970 is replaced by alanine, an amino acid with similar properties. This amino acid position is conserved. In addition, the in silico prediction for this alteration is inconclusive. Since supporting evidence is limited at this time, the clinical significance of this alteration remains unclear.